The following is an entry in ClinVar:

ClinVar aggregate classification (germline): Likely benign (1 of 4 stars; one submission).

Submission:

CeGaT Center for Human Genetics Tuebingen
Classification: Likely benign. Last evaluated: 2025-09-01. Review status: criteria provided, single submitter. Criteria: CeGaT Center For Human Genetics Tuebingen Variant Classification Criteria Version 2. Collection method: clinical testing. Allele origin: germline. Affected: yes. Observed: 1 variant allele.
Comment: OCA2: PM2:Supporting, BP4, BP7

NM_000275.3(OCA2):c.1092G>A (p.Leu364=)

Gene: OCA2 (OCA2 melanosomal transmembrane protein; minus strand). Cytogenetic location: 15q13.1.
Variant type: single nucleotide variant.
Coding change: c.1092G>A on transcript NM_000275.3 (MANE Select); coding-DNA position 1092, G replaced by A.
Protein change: p.Leu364=; no amino-acid change (leucine 364 retained).
Molecular consequence: synonymous variant. On other transcripts: intron variant (1).
Genome position (GRCh38, 1-based): chr15:27,990,600, C>T on the plus strand (G>A on the coding strand, the complement: OCA2 is on the minus strand). VCF-style: chr15-27990600-C-T. GRCh37 (hg19) VCF-style: chr15-28235746-C-T.
Other names: c.1045-934G>A (NM_001300984.2).
Identifiers: ClinVar variation 4281527 (VCV004281527.7).